The following is an entry in ClinVar:

NM_013382.7(POMT2):c.2148-18A>G

Gene: POMT2 (protein O-mannosyltransferase 2; minus strand). Cytogenetic location: 14q24.3.
Variant type: single nucleotide variant.
Coding change: c.2148-18A>G on transcript NM_013382.7 (MANE Select); 18 bases into the intron before coding-DNA position 2148, A replaced by G.
Molecular consequence: intron variant.
Genome position (GRCh38, 1-based): chr14:77,277,499, T>C on the plus strand (A>G on the coding strand, the complement: POMT2 is on the minus strand). VCF-style: chr14-77277499-T-C. GRCh37 (hg19) VCF-style: chr14-77743842-T-C.
Identifiers: ClinVar variation 138787 (VCV000138787.11), dbSNP rs138488805, ClinGen allele CA292893.
Genomic context (GRCh38, chr14:77,277,499, plus strand): 5'-GGGACCAACCATCCCGTAAGCCAGAGGGTGGAAGAGGTAGAAGCTGTGAGAGAGAACCAG[T>C]AGGAGGCAGTTGGCACCCCCAGTGCCTCAGCTGAGGGGCTTTGAATTCCATTCCTCCTGC-3'

ClinVar aggregate classification (germline): Benign. Review status: criteria provided, multiple submitters, no conflicts (2 of 4 stars). 5 submissions from 5 submitters: Benign (3). 2 of the submissions do not count toward it. Last evaluated 2026-02-04.

Conditions:
Muscular dystrophy-dystroglycanopathy (congenital with brain and eye anomalies), type A2. Also called: WALKER-WARBURG SYNDROME OR MUSCLE-EYE-BRAIN DISEASE, POMT2-RELATED; MUSCULAR DYSTROPHY-DYSTROGLYCANOPATHY (CONGENITAL WITH BRAIN AND EYE ANOMALIES), TYPE A, 2. Identifiers: Orphanet 588, Orphanet 899, MedGen C3150411, MONDO:0013154, OMIM 613150.
Muscular dystrophy-dystroglycanopathy (congenital with impaired intellectual development), type B, 2. Also called: MUSCULAR DYSTROPHY, CONGENITAL, POMT2-RELATED; Muscular dystrophy-dystroglycanopathy (congenital with intellectual disability), type B2. Identifiers: MedGen C3150416, MONDO:0013160, OMIM 613156.
Autosomal recessive limb-girdle muscular dystrophy type 2N. Also called: MUSCULAR DYSTROPHY-DYSTROGLYCANOPATHY, LIMB-GIRDLE, POMT2-RELATED; Muscular dystrophy-dystroglycanopathy (limb-girdle), type C, 2. Identifiers: Orphanet 206559, MedGen C3150418, MONDO:0013162, OMIM 613158.

Allele frequency attached by ClinVar (database versions not stated): gnomAD 0.00356 and 0.00343; gnomAD exomes 0.00413 and 0.00548; ExAC 0.00445; ESP Exome Variant Server 0.00454; 1000 Genomes Project 30x 0.00250; 1000 Genomes Project 0.00260; TOPMed 0.00342.
gnomAD v4.1: 8,243 of 1,580,396 alleles (0.52%); highest among the groups gnomAD compares: South Asian, 0.81%; 29 homozygotes.

Submissions (5):

Labcorp Genetics (formerly Invitae), Labcorp
Classification: Benign for Muscular dystrophy-dystroglycanopathy (congenital with impaired intellectual development), type B, 2; Muscular dystrophy-dystroglycanopathy (congenital with brain and eye anomalies), type A2; Autosomal recessive limb-girdle muscular dystrophy type 2N. Last evaluated: 2026-02-04. Review status: criteria provided, single submitter. Criteria: Invitae Variant Classification Sherloc (09022015). Collection method: clinical testing. Allele origin: germline.

GeneDx
Classification: Benign. Last evaluated: 2014-03-14. Review status: criteria provided, single submitter. Criteria: GeneDx Variant Classification (06012015). Collection method: clinical testing. Allele origin: germline. Affected: yes.
Comment: This variant is considered likely benign or benign based on one or more of the following criteria: it is a conservative change, it occurs at a poorly conserved position in the protein, it is predicted to be benign by multiple in silico algorithms, and/or has population frequency not consistent with disease.

PreventionGenetics, part of Exact Sciences
Classification: Benign. Review status: criteria provided, single submitter. Criteria: ACMG Guidelines, 2015. Collection method: clinical testing. Allele origin: germline.

Clinical Genetics DNA and cytogenetics Diagnostics Lab, Erasmus MC, Erasmus Medical Center
Classification: Benign. Review status: no assertion criteria provided. Collection method: clinical testing. Allele origin: germline. Affected: yes. Study: VKGL Data-share Consensus. Not counted in ClinVar's aggregate classification.

Laboratory of Diagnostic Genome Analysis, Leiden University Medical Center (LUMC)
Classification: Likely benign. Review status: no assertion criteria provided. Collection method: clinical testing. Allele origin: germline. Affected: yes. Study: VKGL Data-share Consensus. Not counted in ClinVar's aggregate classification.